The following is an entry in ClinVar:

ClinVar aggregate classification (germline): not provided (0 of 4 stars; one submission).

Conditions:
Small for gestational age. Also called: Low birth weight. Identifiers: MedGen C0235991, HP:0001518.

Submission:

Institute of Molecular and Cell Biology, University of Tartu
No classification provided. Condition: Small for gestational age. Review status: no classification provided. Collection method: case-control. Allele origin: unknown. Affected: yes. Study: Kasak2014.
Comment: The study aimed to determine the contribution of copy number variants in the genetic etiology of normal and complicated pregnancies. The samples represented (i) maternal blood DNA drawn from healthy pregnant women during 1st or 2nd trimester and (ii) maternal and paternal blood DNA drawn at term pregnancy cases representing normal and complicated gestations (severe preeclampsia, PE; gestational diabetes, GD; small-for-gestational age newborn, SGA; large-for-gestational age newborn, LGA). We performed CNV calling based on genome-wide genotyping dataset (Illumina HumanOmniExpress-24-v1 BeadChip) by applying three algorithms, QuantiSNP, GADA (Genome Alteration Detection Algorithm) and CNstream in parallel. The acquired CNV calls were merged with HD-CNV (Hotspot Detector for Copy Number Variants) program and only the CNVs predicted by at least two programs, were considered in subsequent analysis.

Literature cited by the submitters: PubMed 25666259.

CM000664.1:g.154163944_154199490dup

Genes: GALNT13 (polypeptide N-acetylgalactosaminyltransferase 13; plus strand), LINC01850 (long independently transcribed non-coding RNA 1850; plus strand). Cytogenetic location: 2q23.3.
Variant type: Duplication.
Identifiers: ClinVar variation 156807 (VCV000156807.2).